The following is an entry in ClinVar:

NM_004656.4(BAP1):c.39C>T (p.Gly13=)

Gene: BAP1 (BRCA1 associated deubiquitinase 1; minus strand). Cytogenetic location: 3p21.1.
Variant type: single nucleotide variant.
Coding change: c.39C>T on transcript NM_004656.4 (MANE Select); coding-DNA position 39, C replaced by T.
Protein change: p.Gly13=; no amino-acid change (glycine 13 retained).
Molecular consequence: synonymous variant.
Genome position (GRCh38, 1-based): chr3:52,409,742, G>A on the plus strand (C>T on the coding strand, the complement: BAP1 is on the minus strand). VCF-style: chr3-52409742-G-A. GRCh37 (hg19) VCF-style: chr3-52443758-G-A.
Other names: c.39C>T, p.Gly13= (NM_001410772.1); c.39C>T (NM_004656.3).
Identifiers: ClinVar variation 2722374 (VCV002722374.7), dbSNP rs2153228634, ClinGen allele CA433778728.

ClinVar aggregate classification (germline): Benign/Likely benign. Review status: criteria provided, multiple submitters, no conflicts (2 of 4 stars). 5 submissions from 5 submitters: Benign (1); Likely benign (4). Last evaluated 2025-04-29.

Conditions:
BAP1-related tumor predisposition syndrome (TPDS1). Also called: BAP1 tumor predisposition syndrome; Tumor susceptibility linked to germline BAP1 mutations; COMMON Syndrome; TUMOR PREDISPOSITION SYNDROME 1. Identifiers: Orphanet 289539, MedGen C3280492, MONDO:0013692, OMIM 614327.
Hereditary cancer-predisposing syndrome. Also called: Hereditary neoplastic syndrome; Hereditary Cancer Syndrome; Tumor predisposition; Neoplastic Syndromes, Hereditary. Identifiers: Orphanet 140162, MedGen C0027672, MeSH D009386, MONDO:0015356.
BAP1-related disorder. Also called: BAP1-related condition.

Submissions (5):

PreventionGenetics, part of Exact Sciences
Classification: Likely benign for BAP1-related condition. Last evaluated: 2025-04-29. Review status: criteria provided, single submitter. Criteria: ACMG Guidelines, 2015. Collection method: clinical testing. Allele origin: germline.
Comment: This variant is classified as likely benign based on ACMG/AMP sequence variant interpretation guidelines (Richards et al. 2015 PMID: 25741868, with internal and published modifications).

Center for Genomic Medicine, Rigshospitalet, Copenhagen University Hospital
Classification: Likely benign. Last evaluated: 2025-03-04. Review status: criteria provided, single submitter. Criteria: ACMG Guidelines, 2015. Collection method: clinical testing. Allele origin: germline.

Myriad Genetics, Inc.
Classification: Benign for BAP1-related tumor predisposition syndrome. Last evaluated: 2024-07-11. Review status: criteria provided, single submitter. Criteria: Myriad Autosomal Dominant, Autosomal Recessive and X-Linked Classification Criteria (2023). Collection method: clinical testing. Allele origin: unknown.
Comment: This variant is considered benign. This variant is a silent/synonymous amino acid change and it is not expected to impact splicing.

Color Diagnostics, LLC DBA Color Health
Classification: Likely benign for Hereditary cancer-predisposing syndrome. Last evaluated: 2024-01-28. Review status: criteria provided, single submitter. Criteria: ACMG Guidelines, 2015. Collection method: clinical testing. Allele origin: germline.

Labcorp Genetics (formerly Invitae), Labcorp
Classification: Likely benign for BAP1-related tumor predisposition syndrome. Last evaluated: 2023-04-30. Review status: criteria provided, single submitter. Criteria: Invitae Variant Classification Sherloc (09022015). Collection method: clinical testing. Allele origin: germline.